The following is an entry in ClinVar:

NM_014915.3(ANKRD26):c.4264C>T (p.His1422Tyr)

Gene: ANKRD26 (ankyrin repeat domain 26; minus strand). Cytogenetic location: 10p12.1.
Variant type: single nucleotide variant.
Coding change: c.4264C>T on transcript NM_014915.3 (MANE Select); coding-DNA position 4264, C replaced by T.
Protein change: p.His1422Tyr; replaces histidine 1422 with tyrosine.
Molecular consequence: missense variant.
Genome position (GRCh38, 1-based): chr10:27,017,744, G>A on the plus strand (C>T on the coding strand, the complement: ANKRD26 is on the minus strand). VCF-style: chr10-27017744-G-A. GRCh37 (hg19) VCF-style: chr10-27306673-G-A.
Other names: c.4261C>T, p.His1421Tyr (NM_001256053.2); short protein forms H1421Y, H1422Y.
Identifiers: ClinVar variation 2809986 (VCV002809986.4), dbSNP rs2538574096, ClinGen allele CA376358179.

ClinVar aggregate classification (germline): Uncertain significance. Review status: criteria provided, multiple submitters, no conflicts (2 of 4 stars). 2 submissions from 2 submitters: Uncertain significance (2). Last evaluated 2025-04-08.

Conditions:
Inborn genetic diseases. Identifiers: MedGen C0950123, MeSH D030342.

Submissions (2):

Labcorp Genetics (formerly Invitae), Labcorp
Classification: Uncertain significance. Last evaluated: 2025-04-08. Review status: criteria provided, single submitter. Criteria: Invitae Variant Classification Sherloc (09022015). Collection method: clinical testing. Allele origin: germline.
Comment: This sequence change replaces histidine, which is basic and polar, with tyrosine, which is neutral and polar, at codon 1422 of the ANKRD26 protein (p.His1422Tyr). This variant is not present in population databases (gnomAD no frequency). This variant has not been reported in the literature in individuals affected with ANKRD26-related conditions. ClinVar contains an entry for this variant (Variation ID: 2809986). An algorithm developed to predict the effect of missense changes on protein structure and function (PolyPhen-2) suggests that this variant is likely to be disruptive. In summary, the available evidence is currently insufficient to determine the role of this variant in disease. Therefore, it has been classified as a Variant of Uncertain Significance.

Ambry Genetics
Classification: Uncertain significance for Inborn genetic diseases. Last evaluated: 2024-11-30. Review status: criteria provided, single submitter. Criteria: Ambry Variant Classification Scheme 2023. Collection method: clinical testing. Allele origin: germline.
Comment: The p.H1422Y variant (also known as c.4264C>T), located in coding exon 30 of the ANKRD26 gene, results from a C to T substitution at nucleotide position 4264. The histidine at codon 1422 is replaced by tyrosine, an amino acid with similar properties. This amino acid position is conserved. In addition, this alteration is predicted to be tolerated by in silico analysis. Based on the available evidence, the clinical significance of this variant remains unclear.